The following is an entry in ClinVar:

ClinVar aggregate classification (germline): Uncertain significance (1 of 4 stars; one submission).

gnomAD v4.1: 1 of 1,614,196 alleles (0.000062%); highest among the groups gnomAD compares: Non-Finnish European, 0.000085%; no homozygotes.

Submission:

Labcorp Genetics (formerly Invitae), Labcorp
Classification: Uncertain significance. Last evaluated: 2022-09-01. Review status: criteria provided, single submitter. Criteria: Invitae Variant Classification Sherloc (09022015). Collection method: clinical testing. Allele origin: germline.
Comment: In summary, the available evidence is currently insufficient to determine the role of this variant in disease. Therefore, it has been classified as a Variant of Uncertain Significance. This sequence change replaces proline, which is neutral and non-polar, with serine, which is neutral and polar, at codon 580 of the KL protein (p.Pro580Ser). This variant has not been reported in the literature in individuals affected with KL-related conditions. This variant is not present in population databases (gnomAD no frequency). Algorithms developed to predict the effect of missense changes on protein structure and function output the following: SIFT: "Tolerated"; PolyPhen-2: "Benign"; Align-GVGD: "Class C0". The serine amino acid residue is found in multiple mammalian species, which suggests that this missense change does not adversely affect protein function.

NM_004795.4(KL):c.1738C>T (p.Pro580Ser)

Gene: KL (klotho; plus strand). Cytogenetic location: 13q13.1.
Variant type: single nucleotide variant.
Coding change: c.1738C>T on transcript NM_004795.4 (MANE Select); coding-DNA position 1738, C replaced by T.
Protein change: p.Pro580Ser; replaces proline 580 with serine.
Molecular consequence: missense variant.
Genome position (GRCh38, 1-based): chr13:33,060,817, C>T. VCF-style: chr13-33060817-C-T. GRCh37 (hg19) VCF-style: chr13-33634954-C-T.
Other names: short protein forms P580S.
Identifiers: ClinVar variation 2045337 (VCV002045337.4), dbSNP rs758090483, ClinGen allele CA387794504.